The following is an entry in ClinVar:

ClinVar aggregate classification (germline): Conflicting classifications of pathogenicity. Review status: criteria provided, conflicting classifications (1 of 4 stars). 4 submissions from 4 submitters: Uncertain significance (1); Likely benign (1). 2 of the submissions do not count toward it. Last evaluated 2024-09-04.

Conditions:
GAS2L2-related disorder. Also called: GAS2L2-related condition.

Allele frequency attached by ClinVar (database versions not stated): gnomAD exomes 0.00015 and 0.00051; ExAC 0.00054; 1000 Genomes Project 0.00120; 1000 Genomes Project 30x 0.00125; gnomAD 0.00180 and 0.00188; ESP Exome Variant Server 0.00185; TOPMed 0.00213.

Submissions (4):

Blueprint Genetics
Classification: Likely benign. Last evaluated: 2024-09-04. Review status: criteria provided, single submitter. Criteria: ACMG Guidelines, 2015. Collection method: clinical testing. Allele origin: germline.

Breakthrough Genomics
Classification: Uncertain significance. Review status: criteria provided, single submitter. Criteria: ACMG Guidelines, 2015. Collection method: not provided. Allele origin: germline. Inheritance: Autosomal recessive inheritance. Affected: yes.

PreventionGenetics, part of Exact Sciences
Classification: Likely benign for GAS2L2-related condition. Last evaluated: 2020-01-02. Review status: no assertion criteria provided. Collection method: clinical testing. Allele origin: germline. Not counted in ClinVar's aggregate classification.
Comment: This variant is classified as likely benign based on ACMG/AMP sequence variant interpretation guidelines (Richards et al. 2015 PMID: 25741868, with internal and published modifications).

Department of Pathology and Laboratory Medicine, Sinai Health System
Classification: Uncertain significance. Review status: no assertion criteria provided. Collection method: clinical testing. Allele origin: unknown. Affected: yes. Study: The Canadian Open Genetics Repository (COGR). Not counted in ClinVar's aggregate classification.
Comment: The GAS2L2 p.A481T variant was not identified in the literature nor was it identified in ClinVar. The variant was identified in dbSNP (ID: rs143921323) and in control databases in 150 of 217114 chromosomes (0 homozygous) at a frequency of 0.0006909, and was observed at the highest frequency in the African population in 143 of 24196 chromosomes (freq: 0.005910) (Genome Aggregation Database March 6, 2019, v2.1.1). The p.A481 residue is not highly conserved in mammals and computational analyses (MUT Assesor, PolyPhen-2, MutationTaster, Revel, FATHMM, MetaLR, DANN) do not suggest a high likelihood of impact to the protein; however this information is not predictive enough to rule out pathogenicity. The variant occurs outside of the splicing consensus sequence and in silico or computational prediction software programs (Splice AI exome) do not predict a difference in splicing. In summary, based on the above information the clinical significance of this variant cannot be determined with certainty at this time. This variant is classified as a variant of uncertain significance.

NM_139285.4(GAS2L2):c.1441G>A (p.Ala481Thr)

Gene: GAS2L2 (growth arrest specific 2 like 2; minus strand). Cytogenetic location: 17q12.
Variant type: single nucleotide variant.
Coding change: c.1441G>A on transcript NM_139285.4 (MANE Select); coding-DNA position 1441, G replaced by A.
Protein change: p.Ala481Thr; replaces alanine 481 with threonine.
Molecular consequence: missense variant.
Genome position (GRCh38, 1-based): chr17:35,746,056, C>T on the plus strand (G>A on the coding strand, the complement: GAS2L2 is on the minus strand). VCF-style: chr17-35746056-C-T. GRCh37 (hg19) VCF-style: chr17-34073075-C-T.
Other names: c.1441G>A (NM_139285.3); short protein forms A481T.
Identifiers: ClinVar variation 1050564 (VCV001050564.5), dbSNP rs143921323, ClinGen allele CA8506068.